The following is an entry in ClinVar:

ClinVar aggregate classification (germline): Uncertain significance. Review status: criteria provided, multiple submitters, no conflicts (2 of 4 stars). 4 submissions from 4 submitters: Uncertain significance (3). 1 of the submissions does not count toward it. Last evaluated 2025-09-11.

Conditions:
Inborn genetic diseases. Identifiers: MedGen C0950123, MeSH D030342.
DYNC2H1-related disorder. Also called: DYNC2H1-related condition; DYNC2H1-related disorders. Identifiers: MedGen CN378770.
Jeune thoracic dystrophy. Also called: Short-rib thoracic dysplasia; Jeune syndrome; Infantile thoracic dystrophy; Thoracic pelvic phalangeal dystrophy; Jeune's syndrome; Chondroectodermal dysplasia-like syndrome. Identifiers: Orphanet 474, MedGen C0265275, MONDO:0018770.

Allele frequency attached by ClinVar (database versions not stated): gnomAD exomes 0.00001 and 0.00002; ExAC 0.00002; gnomAD 0.00007 and 0.00008; TOPMed 0.00009; 1000 Genomes Project 30x 0.00016; 1000 Genomes Project 0.00020.
gnomAD v4.1: 26 of 1,613,056 alleles (0.0016%); highest among the groups gnomAD compares: African/African-American, 0.024%; no homozygotes.

Submissions (4):

Ambry Genetics
Classification: Uncertain significance for Inborn genetic diseases. Last evaluated: 2025-09-11. Review status: criteria provided, single submitter. Criteria: Ambry Variant Classification Scheme 2023. Collection method: clinical testing. Allele origin: germline.

Blueprint Genetics
Classification: Uncertain significance. Last evaluated: 2024-04-30. Review status: criteria provided, single submitter. Criteria: ACMG Guidelines, 2015. Collection method: clinical testing. Allele origin: germline.

Labcorp Genetics (formerly Invitae), Labcorp
Classification: Uncertain significance for Jeune thoracic dystrophy. Last evaluated: 2021-09-24. Review status: criteria provided, single submitter. Criteria: Invitae Variant Classification Sherloc (09022015). Collection method: clinical testing. Allele origin: germline.
Comment: This sequence change replaces serine with asparagine at codon 2372 of the DYNC2H1 protein (p.Ser2372Asn). The serine residue is highly conserved and there is a small physicochemical difference between serine and asparagine. This variant is present in population databases (rs539366280, ExAC 0.02%). This variant has not been reported in the literature in individuals with DYNC2H1-related conditions. Advanced modeling of protein sequence and biophysical properties (such as structural, functional, and spatial information, amino acid conservation, physicochemical variation, residue mobility, and thermodynamic stability) performed at Invitae indicates that this missense variant is not expected to disrupt DYNC2H1 protein function. In summary, the available evidence is currently insufficient to determine the role of this variant in disease. Therefore, it has been classified as a Variant of Uncertain Significance.

PreventionGenetics, part of Exact Sciences
Classification: Uncertain significance for DYNC2H1-related condition. Last evaluated: 2023-12-18. Review status: no assertion criteria provided. Collection method: clinical testing. Allele origin: germline. Not counted in ClinVar's aggregate classification.
Comment: The DYNC2H1 c.7115G>A variant is predicted to result in the amino acid substitution p.Ser2372Asn. To our knowledge, this variant has not been reported in the literature. This variant is reported in 0.029% of alleles in individuals of African descent in gnomAD. At this time, the clinical significance of this variant is uncertain due to the absence of conclusive functional and genetic evidence.

NM_001377.3(DYNC2H1):c.7115G>A (p.Ser2372Asn)

Gene: DYNC2H1 (dynein cytoplasmic 2 heavy chain 1; plus strand). Cytogenetic location: 11q22.3.
Variant type: single nucleotide variant.
Coding change: c.7115G>A on transcript NM_001377.3 (MANE Select); coding-DNA position 7115, G replaced by A.
Protein change: p.Ser2372Asn; replaces serine 2372 with asparagine.
Molecular consequence: missense variant.
Genome position (GRCh38, 1-based): chr11:103,187,561, G>A. VCF-style: chr11-103187561-G-A. GRCh37 (hg19) VCF-style: chr11-103058290-G-A.
Other names: c.7115G>A (NM_001080463.1); c.7115G>A, p.Ser2372Asn (NM_001080463.2); short protein forms S2372N.
Identifiers: ClinVar variation 1403002 (VCV001403002.9), dbSNP rs539366280, ClinGen allele CA6254150.